The following is an entry in ClinVar:

NM_004837.4(GGPS1):c.545T>C (p.Leu182Pro)

Gene: GGPS1 (geranylgeranyl diphosphate synthase 1; plus strand). Cytogenetic location: 1q42.3.
Variant type: single nucleotide variant.
Coding change: c.545T>C on transcript NM_004837.4 (MANE Select); coding-DNA position 545, T replaced by C.
Protein change: p.Leu182Pro; replaces leucine 182 with proline.
Molecular consequence: missense variant.
Genome position (GRCh38, 1-based): chr1:235,342,414, T>C. VCF-style: chr1-235342414-T-C. GRCh37 (hg19) VCF-style: chr1-235505729-T-C.
Other names: NM_004837.4:c.545T>C; c.545T>C, p.Leu182Pro (NM_001037277.1, NM_001371477.1, NM_001371478.1); c.383T>C, p.Leu128Pro (NM_001037278.2); short protein forms L128P, L182P.
Identifiers: ClinVar variation 3383306 (VCV003383306.1).

ClinVar aggregate classification (germline): Uncertain significance (1 of 4 stars; one submission).

Conditions:
Neuromuscular disease. Also called: Neuromuscular disorder; Neuromyopathy. Identifiers: Orphanet 68381, MedGen C0027868, MeSH D009468, MONDO:0019056.

gnomAD v4.1: 8 of 1,613,860 alleles (0.0005%); highest among the groups gnomAD compares: Non-Finnish European, 0.00068%; no homozygotes.

Submission:

Broad Center for Mendelian Genomics, Broad Institute of MIT and Harvard
Classification: Uncertain significance for Neuromuscular disease. Last evaluated: 2024-11-25. Review status: criteria provided, single submitter. Criteria: ACMG Guidelines, 2015. Collection method: curation. Allele origin: germline. Inheritance: Autosomal recessive inheritance. Study: GREGoR Consortium.
Comment: Trio exome analysis revealed that this variant was in trans with the other variant. The variant has not been previously reported in the literature in individuals with neuromuscular disease and has been identified in 0.0007% (8/1179774) of European (non-Finnish) chromosomes by the Genome Aggregation Database (gnomAD). Computational prediction tools and conservation analyses suggest that this variant may impact the protein, though this information is not predictive enough to determine pathogenicity. The p.Leu182Pro variant is located in a region of GGPS1 that is essential to protein folding and stability, suggesting that this variant is in a functional domain and slightly supports pathogenicity (PMID: 35869884). The phenotype of an individual heterozygous for this variant is highly specific for GGPS1 related muscular dystrophy based on dystrophic muscle histology and ultrastructural evidence of autophagic material and large mitochondria consistent with disease (PMID: 35869884). In summary, while there is some suspicion for a pathogenic role, the clinical significance of this variant is uncertain. ACMG/AMP Criteria applied: PP3, PP4, PM1_supporting, PM2_supporting (Richards 2015).

Literature cited by the submitters: PubMed 35869884.